The following is an entry in ClinVar:

NM_000016.6(ACADM):c.686del (p.Pro229fs)

Gene: ACADM (acyl-CoA dehydrogenase medium chain; plus strand). Cytogenetic location: 1p31.1.
Variant type: Deletion.
Coding change: c.686del on transcript NM_000016.6 (MANE Select); coding-DNA position 686, one base deleted (C; older notation c.686delC).
Protein change: p.Pro229fs; shifts the reading frame from proline 229.
Molecular consequence: frameshift variant.
Genome position (GRCh38, 1-based): chr1:75,745,892, C deleted; the last of 4 consecutive C bases (chr1:75,745,889-75,745,892); deleting any one gives the same sequence. VCF-style (leftmost placement, unchanged base first): chr1-75745888-AC-A. GRCh37 (hg19) VCF-style: chr1-76211573-AC-A.
Other names: c.698del, p.Pro233fs (NM_001127328.3); c.578del, p.Pro193fs (NM_001286042.2); c.785del, p.Pro262fs (NM_001286043.2); c.119del, p.Pro40fs (NM_001286044.2); short protein forms P233fs, P40fs, P193fs, P262fs, P229fs.
Identifiers: ClinVar variation 862822 (VCV000862822.8), dbSNP rs1647873033, ClinGen allele CA916082039.
Genomic context (GRCh38, chr1:75,745,888, plus strand): 5'-GATCCAGATCCTAAAGCTCCTGCTAATAAAGCCTTTACTGGATTCATTGTGGAAGCAGAT[AC>A]CCCAGGAATTCAGATTGGGAGAAAGGTAAAGTATTTATTAATGATTAGGGCCCCAAATAT-3'

ClinVar aggregate classification (germline): Pathogenic/Likely pathogenic. Review status: criteria provided, multiple submitters, no conflicts (2 of 4 stars). 2 submissions from 2 submitters: Pathogenic (1); Likely pathogenic (1). Last evaluated 2025-09-20.

Conditions:
Medium-chain acyl-coenzyme A dehydrogenase deficiency (ACADMD). Also called: MCAD Deficiency; MCADH DEFICIENCY; MCADD; CARNITINE DEFICIENCY SECONDARY TO MEDIUM-CHAIN ACYL-CoA DEHYDROGENASE DEFICIENCY; Medium chain acyl-CoA dehydrogenase deficiency; ACADM DEFICIENCY. Identifiers: Orphanet 42, MedGen C0220710, MONDO:0008721, OMIM 201450.

Submissions (2):

Natera, Inc.
Classification: Likely pathogenic for Medium Chain Acyl-CoA Dehydrogenase Deficiency. Last evaluated: 2025-09-20. Review status: criteria provided, single submitter. Criteria: Natera Variant Classification Schema (03/2026). Collection method: clinical testing. Allele origin: germline.
Comment: The c.686del variant in ACADM is a frameshift variant predicted to shift the reading frame beginning at codon 229 and leads to a stop codon 10 codons downstream. This variant is expected to result in nonsense mediated decay, truncation, or a dysfunctional protein product. This variant is rare in the general population with a frequency below the threshold expected for the associated phenotype(s). Given the available evidence, this variant is classified as Likely Pathogenic.

Labcorp Genetics (formerly Invitae), Labcorp
Classification: Pathogenic for Medium-chain acyl-coenzyme A dehydrogenase deficiency. Last evaluated: 2020-10-13. Review status: criteria provided, single submitter. Criteria: Invitae Variant Classification Sherloc (09022015). Collection method: clinical testing. Allele origin: germline.
Comment: For these reasons, this variant has been classified as Pathogenic. This variant has not been reported in the literature in individuals with ACADM-related conditions. ClinVar contains an entry for this variant (Variation ID: 862822). This variant is not present in population databases (ExAC no frequency). This sequence change creates a premature translational stop signal (p.Pro229Glnfs*10) in the ACADM gene. It is expected to result in an absent or disrupted protein product. Loss-of-function variants in ACADM are known to be pathogenic (PMID: 16121256, 20434380).

Literature cited by the submitters: PubMed 16121256 (cited by Labcorp Genetics (formerly Invitae), Labcorp); PubMed 20434380 (cited by Labcorp Genetics (formerly Invitae), Labcorp).